The following is an entry in ClinVar:

ClinVar aggregate classification (germline): Conflicting classifications of pathogenicity. Review status: criteria provided, conflicting classifications (1 of 4 stars). 9 submissions from 9 submitters: Uncertain significance (8); Likely benign (1). Last evaluated 2026-07-23.

Conditions:
ABCG8-related disorder. Also called: ABCG8-related condition.
Sitosterolemia (STSL). Also called: PHYTOSTEROLEMIA. Identifiers: Orphanet 2882, MedGen C0342907, MONDO:0008863.
Sitosterolemia 1. Identifiers: MedGen C2749759, MONDO:0020747, OMIM 210250.
Cardiovascular phenotype. Identifiers: MedGen CN230736.

Allele frequency attached by ClinVar (database versions not stated): gnomAD 0.00008 and 0.00009; TOPMed 0.00011; gnomAD exomes 0.00019; ExAC 0.00022; 1000 Genomes Project 0.00040; 1000 Genomes Project 30x 0.00047.
gnomAD v4.1: 98 of 1,613,390 alleles (0.0061%); highest among the groups gnomAD compares: East Asian, 0.21%; no homozygotes.

Submissions (10):

PreventionGenetics, part of Exact Sciences
Classification: Uncertain significance for ABCG8-related condition. Last evaluated: 2026-07-23. Review status: criteria provided, single submitter. Criteria: ACMG Guidelines, 2015. Collection method: clinical testing. Allele origin: germline.
Comment: The ABCG8 c.694+5G>C variant is predicted to interfere with splicing. This variant has been reported in six individuals with sitosterolemia, in one individual with familial hypercholesterolemia, and an individual with hyperlipidemia (Yang et al. 2019. PubMed ID: 30827231; Table 3. Hu et al. 2020. PubMed ID: 33217533; TableS4. Xia et al. 2021. PubMed ID: 34969652; Gu et al. 2024. PubMed ID: 38509578). This variant is reported in 0.28% of alleles in individuals of East Asian descent in gnomAD, which may be too frequent to be a primary cause of disease. At this time, the clinical significance of this variant is uncertain due to the absence of conclusive functional and genetic evidence.

Department of Cardiology, Mackay Memorial Hospital
Classification: Uncertain significance for Sitosterolemia. Last evaluated: 2026-03-05. Review status: criteria provided, single submitter. Criteria: ACMG Guidelines, 2015. Collection method: clinical testing. Allele origin: germline. Affected: yes.
Comment: The ABCG8 c.694+5G>C (Accession: VCV000593563.21) variant is an intronic alteration located five nucleotides downstream of exon 5 and may affect the native splice donor site. It has been reported in individuals from dyslipidemia, familial hypercholesterolemia, and sitosterolemia cohorts, including at least one homozygous carrier with elevated LDL-C and total cholesterol levels. The affected nucleotide is evolutionarily conserved, and multiple computational splice-prediction tools suggest that the variant may impair normal splicing, with some algorithms predicting a strong splice-altering effect. However, direct RNA or functional studies confirming aberrant splicing are currently lacking. In addition, earlier population datasets identified the variant at a frequency in East Asian individuals that may be higher than expected for a fully penetrant disease-causing allele, although more recent population datasets have yielded discordant frequency estimates. Given the conflicting population evidence, limited segregation data, and absence of experimental confirmation of the predicted splicing defect, the available evidence is insufficient to establish pathogenicity. Therefore, ABCG8 c.694+5G>C is classified as a variant of uncertain significance (VUS).

Labcorp Genetics (formerly Invitae), Labcorp
Classification: Likely benign. Last evaluated: 2026-01-21. Review status: criteria provided, single submitter. Criteria: Invitae Variant Classification Sherloc (09022015). Collection method: clinical testing. Allele origin: germline.

3billion
Classification: Uncertain significance for Sitosterolemia 1. Last evaluated: 2025-12-27. Review status: criteria provided, single submitter. Criteria: ACMG Guidelines, 2015. Collection method: clinical testing. Allele origin: germline. Affected: yes.
Comment: The variant is not observed in the gnomAD v4.1.0 dataset. Predicted Consequence/Location: Canonical splice site: predicted to alter splicing and result in a loss or disruption of normal protein function. Multiple pathogenic loss-of-function variants are reported downstream of the variant. In silico tools predict the variant to alter splicing and produce an abnormal transcript [SpliceAI: 0.98 (spliceogenicity >=0.2, non-spliceogenicity <0.1)]. Therefore, this variant is classified as Likely pathogenic according to the recommendation of ACMG/AMP guideline.

Ambry Genetics
Classification: Uncertain significance for Cardiovascular phenotype. Last evaluated: 2025-12-04. Review status: criteria provided, single submitter. Criteria: Ambry Variant Classification Scheme 2023. Collection method: clinical testing. Allele origin: germline.
Comment: The c.694+5G>C intronic variant results from a G to C substitution 5 nucleotides after coding exon 5 in the ABCG8 gene. This alteration has been reported in dyslipidemia cohorts (Yang Y et al. Curr Pharm Des, 2019;25:190-200; Kojima N et al. Clin Chim Acta, 2020 Aug;507:11-16; Hu X et al. Gene, 2021 Feb;768:145310). This alteration has also been reported in sitosterolemia cohorts (Xia Y et al. J Clin Lipidol, 2022 Dec;16:40-51; Gu R et al. Lipids Health Dis, 2024 Mar;23:83). This nucleotide position is highly conserved in available vertebrate species. In silico splice site analysis predicts that this alteration may weaken the native splice donor site. Based on the available evidence, the clinical significance of this variant remains unclear.

Genesolutions, Medical Genetics Institutes, Ho Chi Minh City, Vietnam
Classification: Uncertain significance for Sitosterolemia 1. Last evaluated: 2025-09-24. Review status: criteria provided, single submitter. Criteria: ACMG Guidelines, 2015. Collection method: clinical testing. Allele origin: germline. Affected: yes.

Clinical Genomics Laboratory, Stanford Medicine
Classification: Uncertain significance for Sitosterolemia 1. Last evaluated: 2022-01-11. Review status: criteria provided, single submitter. Criteria: ACMG Guidelines, 2015. Collection method: clinical testing. Allele origin: maternal. Affected: yes. Observed: 2 variant alleles, 2 heterozygotes.
Comment: The c.694+5G>C variant in the ABCG8 gene has been previously reported as homozygous in one individual with elevated LDL-C and total cholesterol levels and one individual reportedly tested as part of a familial hypercholesterolemia cohort without additional information (PMID: 33217533; PMID: 30827231). This variant has also been identified in 55/19,892 East Asian chromosomes by the Genome Aggregation Database. This allele frequency is greater than would be expected to be disease-causing for sitosterolemia. This variant occurs in the splice site and computational tools predict an impact to splicing; however, the accuracy of these computational tools is limited. These data were assessed using the ACMG/AMP variant interpretation guidelines. In summary, the significance of the c.694+5G>C variant is uncertain. Additional information is needed to resolve the significance of this variant. [ACMG evidence codes used: PM3_supporting; PP3; BS1]

Mayo Clinic Laboratories, Mayo Clinic
Classification: Uncertain significance. Last evaluated: 2021-07-01. Review status: criteria provided, single submitter. Criteria: ACMG Guidelines, 2015. Collection method: clinical testing. Allele origin: germline.

Eurofins Ntd Llc (ga)
Classification: Uncertain significance. Last evaluated: 2017-08-08. Review status: criteria provided, single submitter. Criteria: EGL Classification Definitions 2015. Collection method: clinical testing. Allele origin: germline. Observed: 1 variant allele, 1 heterozygote.

Dr. Peter K. Rogan Lab, Western University
No classification provided (evidence only). Condition: Gastric cancer. Review status: no classification provided. Collection method: in vitro. Allele origin: not applicable. Functional consequence: retained intron. Not counted in ClinVar's aggregate classification.

Literature cited by the submitters: PubMed 30827231 (cited by 4 submitters); PubMed 32275988 (cited by Department of Cardiology, Mackay Memorial Hospital and Ambry Genetics); PubMed 33217533 (cited by 3 submitters); PubMed 34969652 (cited by Department of Cardiology, Mackay Memorial Hospital and Ambry Genetics); PubMed 38509578 (cited by Department of Cardiology, Mackay Memorial Hospital and Ambry Genetics).

NM_022437.3(ABCG8):c.694+5G>C

Gene: ABCG8 (ATP binding cassette subfamily G member 8; plus strand). Cytogenetic location: 2p21.
Variant type: single nucleotide variant.
Coding change: c.694+5G>C on transcript NM_022437.3 (MANE Select); 5 bases into the intron after coding-DNA position 694, G replaced by C.
Molecular consequence: intron variant.
Genome position (GRCh38, 1-based): chr2:43,852,491, G>C. VCF-style: chr2-43852491-G-C. GRCh37 (hg19) VCF-style: chr2-44079630-G-C.
Other names: c.694+5G>C (NM_001357321.2).
Identifiers: ClinVar variation 593563 (VCV000593563.23), dbSNP rs557890655, ClinGen allele CA1637118.